The following is an entry in ClinVar:

NM_003283.6(TNNT1):c.179G>T (p.Arg60Leu)

Gene: TNNT1 (troponin T1, slow skeletal type; minus strand). Cytogenetic location: 19q13.42.
Variant type: single nucleotide variant.
Coding change: c.179G>T on transcript NM_003283.6 (MANE Select); coding-DNA position 179, G replaced by T.
Protein change: p.Arg60Leu; replaces arginine 60 with leucine.
Molecular consequence: missense variant.
Genome position (GRCh38, 1-based): chr19:55,141,870, C>A on the plus strand (G>T on the coding strand, the complement: TNNT1 is on the minus strand). VCF-style: chr19-55141870-C-A. GRCh37 (hg19) VCF-style: chr19-55653238-C-A.
Other names: c.179G>T, p.Arg60Leu (NM_001126132.3); c.146G>T, p.Arg49Leu (NM_001126133.3, NM_001291774.2); short protein forms R49L, R60L.
Identifiers: ClinVar variation 4887027 (VCV004887027.1).

ClinVar aggregate classification (germline): Uncertain significance (1 of 4 stars; one submission).

Conditions:
Nemaline myopathy 5 (NEM5A). Also called: NEMALINE MYOPATHY, AMISH TYPE; NEMALINE MYOPATHY 5A, AUTOSOMAL RECESSIVE, SEVERE INFANTILE; Nemaline myopathy 5, Amish type. Identifiers: Orphanet 98902, MedGen C1854380, MONDO:0011539, OMIM 605355.

Submission:

MVZ Medizinische Genetik Mainz
Classification: Uncertain significance for Nemaline myopathy 5. Last evaluated: 2026-07-22. Review status: criteria provided, single submitter. Criteria: UK Practice Guidelines For Variant Classification V4 01 2020. Collection method: clinical testing. Allele origin: germline. Inheritance: Autosomal dominant inheritance. Affected: yes. Observed: 1 variant allele.
Comment: ACMG Criteria: PM2_SUP,PP3